The following is an entry in ClinVar:

NM_007294.4(BRCA1):c.87G>T (p.Glu29Asp)

Gene: BRCA1 (BRCA1 DNA repair associated; minus strand). Cytogenetic location: 17q21.31.
Variant type: single nucleotide variant.
Coding change: c.87G>T on transcript NM_007294.4 (MANE Select); coding-DNA position 87, G replaced by T.
Protein change: p.Glu29Asp; replaces glutamic acid 29 with aspartic acid.
Molecular consequence: missense variant. On other transcripts: non-coding transcript variant (1), intron variant (1).
Genome position (GRCh38, 1-based): chr17:43,115,773, C>A on the plus strand (G>T on the coding strand, the complement: BRCA1 is on the minus strand). VCF-style: chr17-43115773-C-A. GRCh37 (hg19) VCF-style: chr17-41267790-C-A.
Other names: c.-102G>T (NM_001407571.1, NM_001407853.1, NM_001407879.1 and 52 more transcripts); c.87G>T, p.Glu29Asp (NM_001407581.1, NM_001407582.1, NM_001407583.1 and 192 more transcripts); c.-55G>T (NM_001408452.1, NM_001408453.1, NM_001408458.1 and 47 more transcripts); c.-171G>T (NM_001408455.1, NM_001408456.1, NM_001407694.1 and 13 more transcripts); c.-175G>T (NM_001407695.1, NM_001408465.1); c.-51G>T (NM_001407841.1); c.-218G>T (NM_001407889.1, NM_001407900.1, NM_001408492.1); c.-217G>T (NM_001407960.1, NM_001407962.1, NM_001408510.1 and 1 more transcripts); and 2 more; short protein forms E29D.
Identifiers: ClinVar variation 865098 (VCV000865098.3), dbSNP rs1343667553, ClinGen allele CA10601980.

Conditions:
Breast-ovarian cancer, familial, susceptibility to, 1 (BROVCA1). Also called: BRCA1 Hereditary Breast and Ovarian Cancer; OVARIAN CANCER, SUSCEPTIBILITY TO. Identifiers: Orphanet 145, MedGen C2676676, MONDO:0011450, OMIM 604370. Disease mechanism: loss of function.

Submission:

Brotman Baty Institute, University of Washington
No classification provided (evidence only). Condition: Breast-ovarian cancer, familial 1. Review status: no classification provided. Collection method: in vitro. Allele origin: not applicable. Functional consequence: functionally_normal.
ClinVar note: "not provided" was previously submitted as the classification for the variant. However, the classification appeared to be based only on an observation of functional data so it was converted to no classification on 2025-07-30.